The following is an entry in ClinVar:

NC_000022.10:g.(?_32297708)_(32302503_?)dup

Gene: DEPDC5 (DEP domain containing 5, GATOR1 subcomplex subunit; plus strand). Cytogenetic location: 22q12.3.
Variant type: Duplication.
Identifiers: ClinVar variation 466447 (VCV000466447.3).

ClinVar aggregate classification (germline): Uncertain significance (1 of 4 stars; one submission).

Conditions:
Familial focal epilepsy with variable foci (FPEVF). Identifiers: Orphanet 98820, MedGen C1858477, MONDO:0020310.

Submission:

Labcorp Genetics (formerly Invitae), Labcorp
Classification: Uncertain significance for Familial focal epilepsy with variable foci. Last evaluated: 2019-12-18. Review status: criteria provided, single submitter. Criteria: Invitae Variant Classification Sherloc (09022015). Collection method: clinical testing. Allele origin: germline.
Comment: This variant is a gross duplication of the genomic region encompassing exons 41-43 of the DEPDC5 gene. The 5' boundary is likely confined to intron 40. The 3' end of this event is unknown as it extends beyond the assayed region for this gene and therefore may encompass additional genes. The exact location of this variant in the genome is unknown. This duplication has not been reported in the literature in individuals with DEPDC5-related disease. Experimental studies are not available for this copy number variant, and the functional significance of the duplicated exons is currently unknown. In summary, the available evidence is currently insufficient to determine the role of this variant in disease. Therefore, it has been classified as a Variant of Uncertain Significance.